The following is an entry in ClinVar:

ClinVar aggregate classification (germline): Uncertain significance (1 of 4 stars; one submission).

Allele frequency attached by ClinVar (database versions not stated): TOPMed 0.00002; ExAC 0.00008; gnomAD 0.00003; ESP Exome Variant Server 0.00008.
gnomAD v4.1: 66 of 1,614,018 alleles (0.0041%); highest among the groups gnomAD compares: Middle Eastern, 0.066%; 1 homozygote.

Submission:

Labcorp Genetics (formerly Invitae), Labcorp
Classification: Uncertain significance. Last evaluated: 2025-12-28. Review status: criteria provided, single submitter. Criteria: Invitae Variant Classification Sherloc (09022015). Collection method: clinical testing. Allele origin: germline.
Comment: This sequence change replaces isoleucine, which is neutral and non-polar, with methionine, which is neutral and non-polar, at codon 158 of the SCARB1 protein (p.Ile158Met). This variant is present in population databases (rs371778051, gnomAD 0.04%). This variant has not been reported in the literature in individuals affected with SCARB1-related conditions. ClinVar contains an entry for this variant (Variation ID: 2915735). Invitae Evidence Modeling of protein sequence and biophysical properties (such as structural, functional, and spatial information, amino acid conservation, physicochemical variation, residue mobility, and thermodynamic stability) indicates that this missense variant is not expected to disrupt SCARB1 protein function with a negative predictive value of 80%. In summary, the available evidence is currently insufficient to determine the role of this variant in disease. Therefore, it has been classified as a Variant of Uncertain Significance.

NM_005505.5(SCARB1):c.474C>G (p.Ile158Met)

Gene: SCARB1 (scavenger receptor class B member 1; minus strand). Cytogenetic location: 12q24.31.
Variant type: single nucleotide variant.
Coding change: c.474C>G on transcript NM_005505.5 (MANE Select); coding-DNA position 474, C replaced by G.
Protein change: p.Ile158Met; replaces isoleucine 158 with methionine.
Molecular consequence: missense variant. On other transcripts: non-coding transcript variant (9).
Genome position (GRCh38, 1-based): chr12:124,814,358, G>C on the plus strand (C>G on the coding strand, the complement: SCARB1 is on the minus strand). VCF-style: chr12-124814358-G-C. GRCh37 (hg19) VCF-style: chr12-125298904-G-C.
Other names: c.474C>G, p.Ile158Met (NM_001367981.1, NM_001367983.1, NM_001367984.1 and 6 more transcripts); c.351C>G, p.Ile117Met (NM_001367982.1); short protein forms I117M, I158M.
Identifiers: ClinVar variation 2915735 (VCV002915735.3), dbSNP rs371778051, ClinGen allele CA6870528.